The following is an entry in ClinVar:

NM_001353345.2(SETD1B):c.202G>A (p.Val68Ile)

Gene: SETD1B (SET domain containing 1B, histone lysine methyltransferase; plus strand). Cytogenetic location: 12q24.31.
Variant type: single nucleotide variant.
Coding change: c.202G>A on transcript NM_001353345.2 (MANE Select); coding-DNA position 202, G replaced by A.
Protein change: p.Val68Ile; replaces valine 68 with isoleucine.
Molecular consequence: missense variant.
Genome position (GRCh38, 1-based): chr12:121,805,145, G>A. VCF-style: chr12-121805145-G-A. GRCh37 (hg19) VCF-style: chr12-122243051-G-A.
Other names: short protein forms V68I.
Identifiers: ClinVar variation 3774275 (VCV003774275.2).
Genomic context (GRCh38, chr12:121,805,145, plus strand): 5'-CTCTCATCCCGGCCCCCCAATTTCTCCCCACAGATGTCCAGCAACCGCCCGGTGGAAATT[G>A]TCGAAGATCCCCGGGTCGTCGGGATCTGGACCAAAAACAAGGAGCTGGAGCTGTCGGTGC-3'
Protein context (NP_001340274.1, residues 58-78): AMSSNRPVEI[Val68Ile]EDPRVVGIWT

ClinVar aggregate classification (germline): Uncertain significance (1 of 4 stars; one submission).

Submission:

GeneDx
Classification: Uncertain significance. Last evaluated: 2025-04-18. Review status: criteria provided, single submitter. Criteria: GeneDx Variant Classification Process June 2021. Collection method: clinical testing. Allele origin: germline.
Comment: Not observed at significant frequency in large population cohorts (gnomAD); In silico analysis indicates that this missense variant does not alter protein structure/function; Has not been previously published as pathogenic or benign to our knowledge